The following is an entry in ClinVar:

ClinVar aggregate classification (germline): Pathogenic (1 of 4 stars; one submission).

Conditions:
Neurofibromatosis, type 1 (NF1). Also called: Neurofibromatosis, type I; VON RECKLINGHAUSEN DISEASE; NEUROFIBROMATOSIS, TYPE I, SOMATIC; Peripheral type neurofibromatosis. Identifiers: Orphanet 636, MedGen C0027831, MONDO:0018975, OMIM 162200. Disease mechanism: loss of function.

Submission:

Labcorp Genetics (formerly Invitae), Labcorp
Classification: Pathogenic for Neurofibromatosis, type 1. Last evaluated: 2022-07-15. Review status: criteria provided, single submitter. Criteria: Invitae Variant Classification Sherloc (09022015). Collection method: clinical testing. Allele origin: germline.
Comment: This sequence change creates a premature translational stop signal (p.Asn939Ilefs*15) in the NF1 gene. It is expected to result in an absent or disrupted protein product. Loss-of-function variants in NF1 are known to be pathogenic (PMID: 10712197, 23913538). This variant is not present in population databases (gnomAD no frequency). This premature translational stop signal has been observed in individual(s) with clinical features of neurofibromatosis type 1 (PMID: 17726231). ClinVar contains an entry for this variant (Variation ID: 1459686). For these reasons, this variant has been classified as Pathogenic.

Literature cited by the submitters: PubMed 10712197; PubMed 23913538; PubMed 17726231.

NM_001042492.3(NF1):c.2816del (p.Asn939fs)

Gene: NF1 (neurofibromin 1; plus strand). Cytogenetic location: 17q11.2.
Variant type: Deletion.
Coding change: c.2816del on transcript NM_001042492.3 (MANE Select); coding-DNA position 2816, one base deleted (A; older notation c.2816delA).
Protein change: p.Asn939fs; shifts the reading frame from asparagine 939.
Molecular consequence: frameshift variant.
Genome position (GRCh38, 1-based): chr17:31,229,431, A deleted; the last of 2 consecutive A bases (chr17:31,229,430-31,229,431); deleting either gives the same sequence. VCF-style (leftmost placement, unchanged base first): chr17-31229429-GA-G. GRCh37 (hg19) VCF-style: chr17-29556447-GA-G.
Other names: c.2816delA, p.Asn939Ilefs (NM_000267.4); short protein forms N939fs.
Identifiers: ClinVar variation 1459686 (VCV001459686.6), dbSNP rs2151429750, ClinGen allele CA499229175.